The following is an entry in ClinVar:

ClinVar aggregate classification (germline): Conflicting classifications of pathogenicity. Review status: criteria provided, conflicting classifications (1 of 4 stars). 4 submissions from 4 submitters: Uncertain significance (1); Likely benign (2). 1 of the submissions does not count toward it. Last evaluated 2026-06-24.

Conditions:
CFTR-related disorder (CFTR-RD). Also called: CFTR-related disorders; CFTR-related condition. Identifiers: MedGen C5924204, MONDO:7770004.
Cystic fibrosis (CF). Also called: MUCOVISCIDOSIS. Identifiers: Orphanet 586, MedGen C0010674, MONDO:0009061, OMIM 219700. Disease mechanism: loss of function.

Allele frequency attached by ClinVar (database versions not stated): gnomAD 0.00003; gnomAD exomes 0.00001; ExAC 0.00002.
gnomAD v4.1: 7 of 1,456,734 alleles (0.00048%); highest among the groups gnomAD compares: Admixed American, 0.0017%; no homozygotes.

Submissions (4):

PreventionGenetics, part of Exact Sciences
Classification: Uncertain significance for CFTR-related condition. Last evaluated: 2026-06-24. Review status: criteria provided, single submitter. Criteria: ACMG Guidelines, 2015. Collection method: clinical testing. Allele origin: germline.
Comment: The CFTR c.1585-19T>C variant is predicted to interfere with splicing. This variant has been reported in a patient with neonatal hypertyrosinemia (described as 1717-19 T to C in Le Maréchal et al. 2001. PubMed ID: 11379874). This variant is reported in 0.0040% of alleles in individuals of European (Finnish) descent in gnomAD. However, the use of computer prediction programs is not equivalent to functional evidence, and therefore the clinical significance of this variant is uncertain.

Labcorp Genetics (formerly Invitae), Labcorp
Classification: Likely benign for Cystic fibrosis. Last evaluated: 2025-11-21. Review status: criteria provided, single submitter. Criteria: Invitae Variant Classification Sherloc (09022015). Collection method: clinical testing. Allele origin: germline.

Ambry Genetics
Classification: Likely benign for Cystic fibrosis. Last evaluated: 2024-11-13. Review status: criteria provided, single submitter. Criteria: Ambry Variant Classification Scheme 2023. Collection method: clinical testing. Allele origin: germline.

Counsyl
Classification: Uncertain significance for Cystic fibrosis. Last evaluated: 2017-06-12. Review status: no assertion criteria provided. Collection method: clinical testing. Allele origin: unknown. Not counted in ClinVar's aggregate classification.

NM_000492.4(CFTR):c.1585-19T>C

Genes: CFTR (CF transmembrane conductance regulator; plus strand), LOC111674475 (CFTR intron 11 enhancer; plus strand). Cytogenetic location: 7q31.2.
Variant type: single nucleotide variant.
Coding change: c.1585-19T>C on transcript NM_000492.4 (MANE Select); 19 bases into the intron before coding-DNA position 1585, T replaced by C.
Molecular consequence: intron variant.
Genome position (GRCh38, 1-based): chr7:117,587,720, T>C. VCF-style: chr7-117587720-T-C. GRCh37 (hg19) VCF-style: chr7-117227774-T-C.
Identifiers: ClinVar variation 552406 (VCV000552406.14), dbSNP rs778457306, ClinGen allele CA4451039.